The following is an entry in ClinVar:

NM_001379081.2(FREM1):c.6138+13C>G

Gene: FREM1 (FRAS1 related extracellular matrix 1; minus strand). Cytogenetic location: 9p22.3.
Variant type: single nucleotide variant.
Coding change: c.6138+13C>G on transcript NM_001379081.2 (MANE Select); 13 bases into the intron after coding-DNA position 6138, C replaced by G.
Molecular consequence: intron variant.
Genome position (GRCh38, 1-based): chr9:14,746,910, G>C on the plus strand (C>G on the coding strand, the complement: FREM1 is on the minus strand). VCF-style: chr9-14746910-G-C. GRCh37 (hg19) VCF-style: chr9-14746908-G-C.
Other names: c.6138+13C>G (NM_144966.7); c.1746+13C>G (NM_001370061.2, NM_001177704.3); c.1596+13C>G (NM_001370058.2).
Identifiers: ClinVar variation 1926489 (VCV001926489.5), dbSNP rs369645771, ClinGen allele CA4989548.

ClinVar aggregate classification (germline): Uncertain significance (1 of 4 stars; one submission).

Allele frequency attached by ClinVar (database versions not stated): ExAC 0.00001; gnomAD 0.00002; TOPMed 0.00002; ESP Exome Variant Server 0.00008.
gnomAD v4.1: 13 of 1,611,256 alleles (0.00081%); highest among the groups gnomAD compares: African/African-American, 0.0013%; no homozygotes.

Submission:

Labcorp Genetics (formerly Invitae), Labcorp
Classification: Uncertain significance. Last evaluated: 2022-07-25. Review status: criteria provided, single submitter. Criteria: Invitae Variant Classification Sherloc (09022015). Collection method: clinical testing. Allele origin: germline.
Comment: This sequence change falls in intron 35 of the FREM1 gene. It does not directly change the encoded amino acid sequence of the FREM1 protein. This variant is present in population databases (rs369645771, gnomAD 0.003%). This variant has not been reported in the literature in individuals affected with FREM1-related conditions. Algorithms developed to predict the effect of sequence changes on RNA splicing suggest that this variant may create or strengthen a splice site. In summary, the available evidence is currently insufficient to determine the role of this variant in disease. Therefore, it has been classified as a Variant of Uncertain Significance.